The following is an entry in ClinVar:

ClinVar aggregate classification (germline): Uncertain significance. Review status: criteria provided, multiple submitters, no conflicts (2 of 4 stars). 3 submissions from 3 submitters: Uncertain significance (3). Last evaluated 2025-09-02.

Conditions:
Ehlers-Danlos syndrome, spondylodysplastic type, 3. Also called: Ehlers-Danlos syndrome, spondylocheirodysplastic type. Identifiers: Orphanet 157965, MedGen C2676510, MONDO:0012873, OMIM 612350.
Inborn genetic diseases. Identifiers: MedGen C0950123, MeSH D030342.

Allele frequency attached by ClinVar (database versions not stated): ExAC 0.00001; gnomAD exomes below 0.00001.
gnomAD v4.1: 12 of 1,614,058 alleles (0.00074%); highest among the groups gnomAD compares: Non-Finnish European, 0.001%; no homozygotes.

Submissions (3):

Women's Health and Genetics/Laboratory Corporation of America, LabCorp
Classification: Uncertain significance. Last evaluated: 2025-09-02. Review status: criteria provided, single submitter. Criteria: LabCorp Variant Classification Summary - May 2015. Collection method: clinical testing. Allele origin: germline.
Comment: Variant summary: SLC39A13 c.644A>C (p.Lys215Thr) results in a non-conservative amino acid change in the encoded protein sequence. Algorithms developed to predict the effect of missense changes on protein structure and function are either unavailable or do not agree on the potential impact of this missense change. Consensus agreement among computation tools predict no significant impact on normal splicing. However, these predictions have yet to be confirmed by functional studies. The variant allele was found at a frequency of 4e-06 in 250472 control chromosomes. The available data on variant occurrences in the general population are insufficient to allow any conclusion about variant significance. To our knowledge, no occurrence of c.644A>C in individuals affected with SLC39A13-related conditions and no experimental evidence demonstrating its impact on protein function have been reported. ClinVar contains an entry for this variant (Variation ID: 1363668). Based on the evidence outlined above, the variant was classified as uncertain significance.

Ambry Genetics
Classification: Uncertain significance for Inborn genetic diseases. Last evaluated: 2025-08-10. Review status: criteria provided, single submitter. Criteria: Ambry Variant Classification Scheme 2023. Collection method: clinical testing. Allele origin: germline.

Labcorp Genetics (formerly Invitae), Labcorp
Classification: Uncertain significance for Ehlers-Danlos syndrome, spondylodysplastic type, 3. Last evaluated: 2022-07-19. Review status: criteria provided, single submitter. Criteria: Invitae Variant Classification Sherloc (09022015). Collection method: clinical testing. Allele origin: germline.
Comment: This sequence change replaces lysine, which is basic and polar, with threonine, which is neutral and polar, at codon 215 of the SLC39A13 protein (p.Lys215Thr). This variant is present in population databases (rs765944959, gnomAD 0.0009%). This variant has not been reported in the literature in individuals affected with SLC39A13-related conditions. ClinVar contains an entry for this variant (Variation ID: 1363668). Algorithms developed to predict the effect of missense changes on protein structure and function are either unavailable or do not agree on the potential impact of this missense change (SIFT: "Deleterious"; PolyPhen-2: "Possibly Damaging"; Align-GVGD: "Class C0"). In summary, the available evidence is currently insufficient to determine the role of this variant in disease. Therefore, it has been classified as a Variant of Uncertain Significance.

NM_001128225.3(SLC39A13):c.644A>C (p.Lys215Thr)

Gene: SLC39A13 (solute carrier family 39 member 13; plus strand). Cytogenetic location: 11p11.2.
Variant type: single nucleotide variant.
Coding change: c.644A>C on transcript NM_001128225.3 (MANE Select); coding-DNA position 644, A replaced by C.
Protein change: p.Lys215Thr; replaces lysine 215 with threonine.
Molecular consequence: missense variant. On other transcripts: non-coding transcript variant (1).
Genome position (GRCh38, 1-based): chr11:47,413,506, A>C. VCF-style: chr11-47413506-A-C. GRCh37 (hg19) VCF-style: chr11-47435057-A-C.
Other names: c.644A>C, p.Lys215Thr (NM_001330245.2, NM_152264.5); c.644A>C (NM_152264.4); short protein forms K215T.
Identifiers: ClinVar variation 1363668 (VCV001363668.7), dbSNP rs765944959, ClinGen allele CA5975851.